The following is an entry in ClinVar:

ClinVar aggregate classification (germline): Benign/Likely benign. Review status: criteria provided, multiple submitters, no conflicts (2 of 4 stars). 11 submissions from 11 submitters: Benign (8); Likely benign (1). 2 of the submissions do not count toward it. Last evaluated 2026-07-01.

Conditions:
Hereditary cancer-predisposing syndrome. Also called: Hereditary Cancer Syndrome; Hereditary neoplastic syndrome; Neoplastic Syndromes, Hereditary; Tumor predisposition. Identifiers: Orphanet 140162, MedGen C0027672, MeSH D009386, MONDO:0015356.
Sessile serrated polyposis cancer syndrome (SSPCS). Identifiers: Orphanet 157798, MedGen C4310714, MONDO:0014919, OMIM 617108.

Allele frequency attached by ClinVar (database versions not stated): ESP Exome Variant Server 0.11706; 1000 Genomes Project 30x 0.06465; gnomAD 0.11417 and 0.11188; 1000 Genomes Project 0.06530; TOPMed 0.10565; ExAC 0.17781; gnomAD exomes 0.10998 and 0.14375.
gnomAD v4.1: 218,849 of 1,559,776 alleles (14%); highest among the groups gnomAD compares: Middle Eastern, 16%; 16,979 homozygotes.

Submissions (11):

Myriad Genetics, Inc.
Classification: Benign for Sessile serrated polyposis cancer syndrome. Last evaluated: 2026-07-01. Review status: criteria provided, single submitter. Criteria: Myriad Autosomal Dominant, Autosomal Recessive and X-Linked Classification Criteria (2023). Collection method: clinical testing. Allele origin: unknown.
Comment: This variant is considered benign. This variant has been observed at a population frequency that is significantly greater than expected given the associated disease prevalence and penetrance.

Labcorp Genetics (formerly Invitae), Labcorp
Classification: Benign. Last evaluated: 2026-02-04. Review status: criteria provided, single submitter. Criteria: Invitae Variant Classification Sherloc (09022015). Collection method: clinical testing. Allele origin: germline.

Institute for Biomarker Research, Medical Diagnostic Laboratories, L.L.C.
Classification: Benign for Hereditary cancer-predisposing syndrome. Last evaluated: 2025-10-27. Review status: criteria provided, single submitter. Criteria: ACMG Guidelines, 2015. Collection method: clinical testing. Allele origin: germline.
Comment: The missense variant NM_017763.6(RNF43):c.1028G>A (p.Arg343His) has been reported to ClinVar as Benign with a status of (2 stars) criteria provided, multiple submitters, no conflicts (Accession: VCV001165097.15). There is a small physicochemical difference between arginine and histidine, which is not likely to impact secondary protein structure as these residues share similar properties. For these reasons, this variant has been classified as Benign.

GeneKor MSA
Classification: Benign for Hereditary cancer-predisposing syndrome. Last evaluated: 2025-07-10. Review status: criteria provided, single submitter. Criteria: ACMG Guidelines, 2015. Collection method: clinical testing. Allele origin: germline.

Blueprint Genetics
Classification: Likely benign. Last evaluated: 2024-11-28. Review status: criteria provided, single submitter. Criteria: ACMG Guidelines, 2015. Collection method: clinical testing. Allele origin: germline.

Ambry Genetics
Classification: Benign. Last evaluated: 2024-10-18. Review status: criteria provided, single submitter. Criteria: Ambry Variant Classification Scheme 2023. Collection method: clinical testing. Allele origin: germline.

Mayo Clinic Laboratories, Mayo Clinic
Classification: Benign. Last evaluated: 2022-04-08. Review status: criteria provided, single submitter. Criteria: ACMG Guidelines, 2015. Collection method: clinical testing. Allele origin: germline. Observed: 141 variant alleles.

GeneDx
Classification: Benign. Last evaluated: 2019-06-14. Review status: criteria provided, single submitter. Criteria: GeneDx Variant Classification Process June 2021. Collection method: clinical testing. Allele origin: germline. Affected: yes.

Breakthrough Genomics
Classification: Benign. Review status: criteria provided, single submitter. Criteria: ACMG Guidelines, 2015. Collection method: not provided. Allele origin: germline. Inheritance: Autosomal dominant inheritance. Affected: yes.

Clinical Genetics DNA and cytogenetics Diagnostics Lab, Erasmus MC, Erasmus Medical Center
Classification: Benign. Review status: no assertion criteria provided. Collection method: clinical testing. Allele origin: germline. Affected: yes. Study: VKGL Data-share Consensus. Not counted in ClinVar's aggregate classification.

Clinical Genetics, Academic Medical Center
Classification: Benign. Review status: no assertion criteria provided. Collection method: clinical testing. Allele origin: germline. Affected: yes. Study: VKGL Data-share Consensus. Not counted in ClinVar's aggregate classification.

NM_017763.6(RNF43):c.1028G>A (p.Arg343His)

Gene: RNF43 (ring finger protein 43; minus strand). Cytogenetic location: 17q22.
Variant type: single nucleotide variant.
Coding change: c.1028G>A on transcript NM_017763.6 (MANE Select); coding-DNA position 1028, G replaced by A.
Protein change: p.Arg343His; replaces arginine 343 with histidine.
Molecular consequence: missense variant.
Genome position (GRCh38, 1-based): chr17:58,358,748, C>T on the plus strand (G>A on the coding strand, the complement: RNF43 is on the minus strand). VCF-style: chr17-58358748-C-T. GRCh37 (hg19) VCF-style: chr17-56436109-C-T.
Other names: p.Arg343His; c.1028G>A, p.Arg343His (NM_001305544.3); c.647G>A, p.Arg216His (NM_001305545.2); short protein forms R216H, R343H.
Identifiers: ClinVar variation 1165097 (VCV001165097.20), dbSNP rs34523089, ClinGen allele CA8673244.